The following is an entry in ClinVar:

ClinVar aggregate classification (germline): Benign/Likely benign. Review status: criteria provided, multiple submitters, no conflicts (2 of 4 stars). 10 submissions from 9 submitters: Benign (4); Likely benign (5). 1 of the submissions does not count toward it. Last evaluated 2025-09-29.

Conditions:
Maturity-onset diabetes of the young (MODY). Also called: Maturity onset diabetes mellitus in young. Identifiers: Orphanet 552, MedGen C0342276, MONDO:0018911, HP:0004904.
Familial hyperinsulinism. Also called: Congenital hyperinsulinism. Identifiers: Orphanet 276525, MedGen C3888018, MONDO:0017182. Disease mechanism: loss of function.
HNF4A-related disorder. Also called: HNF4A-related condition.
Maturity-onset diabetes of the young type 1. Also called: MODY, type I; MODY type 1; Diabetes mellitus MODY type 1; MODY HNF4A related; HNF4A-Related Maturity-Onset Diabetes of the Young Type 1; MILD JUVENILE DIABETES MELLITUS. Identifiers: Orphanet 552, MedGen C1852093, MONDO:0007452, OMIM 125850. Disease mechanism: loss of function.

Allele frequency attached by ClinVar (database versions not stated): gnomAD exomes 0.00016 and 0.00034; ExAC 0.00019; gnomAD 0.00041 and 0.00043; TOPMed 0.00041; ESP Exome Variant Server 0.00054.
gnomAD v4.1: 560 of 1,613,782 alleles (0.035%); highest among the groups gnomAD compares: African/African-American, 0.085%; no homozygotes.

Submissions (10):

Labcorp Genetics (formerly Invitae), Labcorp
Classification: Benign. Last evaluated: 2025-09-29. Review status: criteria provided, single submitter. Criteria: Invitae Variant Classification Sherloc (09022015). Collection method: clinical testing. Allele origin: germline.

ARUP Laboratories, Molecular Genetics and Genomics, ARUP Laboratories
Classification: Benign. Last evaluated: 2024-10-04. Review status: criteria provided, single submitter. Criteria: ARUP Molecular Germline Variant Investigation Process 2024. Collection method: clinical testing. Allele origin: germline.

Blueprint Genetics
Classification: Likely benign. Last evaluated: 2024-09-11. Review status: criteria provided, single submitter. Criteria: ACMG Guidelines, 2015. Collection method: clinical testing. Allele origin: germline.

Athena Diagnostics
Classification: Benign. Last evaluated: 2019-11-15. Review status: criteria provided, single submitter. Criteria: Athena Diagnostics Criteria. Collection method: clinical testing. Allele origin: unknown.

GeneDx
Classification: Likely benign. Last evaluated: 2017-06-12. Review status: criteria provided, single submitter. Criteria: GeneDx Variant Classification (06012015). Collection method: clinical testing. Allele origin: germline. Affected: yes.
Comment: This variant is considered likely benign or benign based on one or more of the following criteria: it is a conservative change, it occurs at a poorly conserved position in the protein, it is predicted to be benign by multiple in silico algorithms, and/or has population frequency not consistent with disease.

Illumina Laboratory Services, Illumina
Classification: Likely benign for Familial hyperinsulinism. Last evaluated: 2017-04-27. Review status: criteria provided, single submitter. Criteria: ICSL Variant Classification Criteria 13 December 2019. Collection method: clinical testing. Allele origin: germline.
Comment: This variant was observed as part of a predisposition screen in an ostensibly healthy population. A literature search was performed for the gene, cDNA change, and amino acid change (where applicable). No publications were found based on this search. Allele frequency data from public databases allowed determination this variant is unlikely to cause disease. Therefore, this variant is classified as likely benign.

Illumina Laboratory Services, Illumina
Classification: Likely benign for Maturity-onset diabetes of the young type 1. Last evaluated: 2017-04-27. Review status: criteria provided, single submitter. Criteria: ICSL Variant Classification Criteria 13 December 2019. Collection method: clinical testing. Allele origin: germline.
Comment: the same text as in the submission from Illumina Laboratory Services, Illumina above.

Ambry Genetics
Classification: Likely benign for Maturity-onset diabetes of the young. Last evaluated: 2017-04-04. Review status: criteria provided, single submitter. Criteria: Ambry Variant Classification Scheme 2023. Collection method: clinical testing. Allele origin: germline.

Clinical Genomics, Uppaluri K&H Personalized Medicine Clinic
Classification: Benign for Maturity-onset diabetes of the young. Review status: criteria provided, single submitter. Criteria: K & H Uppaluri Personalized Medicine Clinic Variant Classification & Assertion Criteria_Updated V.1. Collection method: research. Allele origin: unknown. Inheritance: Autosomal dominant inheritance.
Comment: Potent mutations in HNF4A are associated with poor insulin secretion in response to hyperglycemia. Associated with MODY1. Patients initially respond well to sulfonylureas but eventually become insulin dependent. However, more evidence is required to ascertain the role of this particular variant rs145845882 in MODY, yet.

PreventionGenetics, part of Exact Sciences
Classification: Likely benign for HNF4A-related condition. Last evaluated: 2019-07-02. Review status: no assertion criteria provided. Collection method: clinical testing. Allele origin: germline. Not counted in ClinVar's aggregate classification.
Comment: This variant is classified as likely benign based on ACMG/AMP sequence variant interpretation guidelines (Richards et al. 2015 PMID: 25741868, with internal and published modifications).

Literature cited by the submitters: DOI 10.1159/000334532 (cited by Clinical Genomics, Uppaluri K&H Personalized Medicine Clinic); PubMed 18268044 (cited by Clinical Genomics, Uppaluri K&H Personalized Medicine Clinic); PubMed 17563455 (cited by Clinical Genomics, Uppaluri K&H Personalized Medicine Clinic); PubMed 32583173 (cited by Clinical Genomics, Uppaluri K&H Personalized Medicine Clinic); PubMed 35052457 (cited by Clinical Genomics, Uppaluri K&H Personalized Medicine Clinic); PubMed 35118593 (cited by Clinical Genomics, Uppaluri K&H Personalized Medicine Clinic).

NM_175914.5(HNF4A):c.138G>A (p.Thr46=)

Gene: HNF4A (hepatocyte nuclear factor 4 alpha; plus strand). Cytogenetic location: 20q13.12.
Variant type: single nucleotide variant.
Coding change: c.138G>A on transcript NM_175914.5 (MANE Select); coding-DNA position 138, G replaced by A.
Protein change: p.Thr46=; no amino-acid change (threonine 46 retained).
Molecular consequence: synonymous variant.
Genome position (GRCh38, 1-based): chr20:44,406,146, G>A. VCF-style: chr20-44406146-G-A. GRCh37 (hg19) VCF-style: chr20-43034786-G-A.
Other names: c.204G>A, p.Thr68= (NM_000457.6, NM_178849.3, NM_178850.3); c.138G>A, p.Thr46= (NM_001030003.3, NM_001030004.3); c.183G>A, p.Thr61= (NM_001258355.2); c.129G>A, p.Thr43= (NM_001287182.2, NM_001287183.2, NM_001287184.2); c.138G>A (NM_175914.4).
Identifiers: ClinVar variation 510279 (VCV000510279.21), dbSNP rs145845882, ClinGen allele CA9870175.